The following is an entry in ClinVar:

NM_000252.3(MTM1):c.1454C>T (p.Ala485Val)

Gene: MTM1 (myotubularin 1; plus strand). Cytogenetic location: Xq28.
Variant type: single nucleotide variant.
Coding change: c.1454C>T on transcript NM_000252.3 (MANE Select); coding-DNA position 1454, C replaced by T.
Protein change: p.Ala485Val; replaces alanine 485 with valine.
Molecular consequence: missense variant.
Genome position (GRCh38, 1-based): chrX:150,660,471, C>T. VCF-style: chrX-150660471-C-T. GRCh37 (hg19) VCF-style: chrX-149828944-C-T.
Other names: NM_000252.3(MTM1):c.1454C>T; p.Ala485Val; c.1454C>T, p.Ala485Val (NM_001376906.1, NM_001376908.1); c.1343C>T, p.Ala448Val (NM_001376907.1); short protein forms A485V, A448V.
Identifiers: ClinVar variation 461696 (VCV000461696.13), dbSNP rs782137551, ClinGen allele CA10539261.
Genomic context (GRCh38, chrX:150,660,471, plus strand): 5'-TAATTTTGGATCATCTGTATAGTTGCCGATTTGGTACTTTCTTATTCAACTGTGAATCTG[C>T]TCGAGAAAGACAGGTGAGTTAAAATGCTATTTTTTTTGATACATTAGGCTTGCCAAAATG-3'
Protein context (NP_000243.1, residues 475-495): FGTFLFNCES[Ala485Val]RERQKVTERT

ClinVar aggregate classification (germline): Benign. Review status: reviewed by expert panel (3 of 4 stars). 3 submissions from 3 submitters: Benign (1). 2 of the submissions do not count toward it. Last evaluated 2024-08-07.

Conditions:
Centronuclear myopathy (CNM). Also called: Myotubular myopathy; Centronuclear myopathy, congenital. Identifiers: Orphanet 595, MedGen C0175709, MONDO:0018947. Inheritance: All.
Severe X-linked myotubular myopathy (CNMX). Also called: MYOTUBULAR MYOPATHY 1; X-linked centronuclear myopathy; Myotubular myopathy, X-linked. Identifiers: Orphanet 596, MedGen C0410203, MONDO:0010683, OMIM 310400.

Allele frequency attached by ClinVar (database versions not stated): gnomAD 0.00001; gnomAD exomes 0.00004 and 0.00019; TOPMed 0.00005; ExAC 0.00026.
gnomAD v4.1: 41 of 1,179,220 alleles (0.0035%); highest among the groups gnomAD compares: Admixed American, 0.077%; no homozygotes.

Submissions (3):

ClinGen Congenital Myopathies Variant Curation Expert Panel, ClinGen
Classification: Benign for Centronuclear myopathy. Last evaluated: 2024-08-07. Review status: reviewed by expert panel. Criteria: ClinGen CongenMyopathy ACMG Specifications MTM1 V1.0.0. Collection method: curation. Allele origin: germline. Inheritance: X-linked inheritance.
Comment: The variant NM_000252.3:c.1454C>T in MTM1 is a missense variant predicted to cause substitution of alanine by valine at amino acid 485 (p.Ala485Val). The filtering allele frequency in gnomAD v4.1.0 is 0.0005657 (35/45691 alleles, 10 hemizygotes) for the Admixed American population, which is higher than the ClinGen congenital myopathy MTM1 threshold (≥0.000016) for BA1, and therefore meets this criterion (BA1). The REVEL computational prediction analysis tool produced a score of 0.221, which is neither above nor below the thresholds predicting a damaging or benign impact on MTM1 function. In summary, the variant meets criteria to be classified as benign. ACMG/AMP criteria met, as specified by the congenital myopathies VCEP: BA1 (ClinGen Congenital Myopathies VCEP specifications version 1; 8/7/2024)

Labcorp Genetics (formerly Invitae), Labcorp
Classification: Benign for Severe X-linked myotubular myopathy. Last evaluated: 2025-09-21. Review status: criteria provided, single submitter. Criteria: Invitae Variant Classification Sherloc (09022015). Collection method: clinical testing. Allele origin: germline. Not counted in ClinVar's aggregate classification.

GeneDx
Classification: Likely benign. Last evaluated: 2017-02-17. Review status: criteria provided, single submitter. Criteria: GeneDx Variant Classification (06012015). Collection method: clinical testing. Allele origin: germline. Affected: yes. Not counted in ClinVar's aggregate classification.
Comment: This variant is considered likely benign or benign based on one or more of the following criteria: it is a conservative change, it occurs at a poorly conserved position in the protein, it is predicted to be benign by multiple in silico algorithms, and/or has population frequency not consistent with disease.